The following is an entry in ClinVar:

NM_000090.4(COL3A1):c.402T>G (p.Ser134=)

Gene: COL3A1 (collagen type III alpha 1 chain; plus strand). Cytogenetic location: 2q32.2.
Variant type: single nucleotide variant.
Coding change: c.402T>G on transcript NM_000090.4 (MANE Select); coding-DNA position 402, T replaced by G.
Protein change: p.Ser134=; no amino-acid change (serine 134 retained).
Molecular consequence: synonymous variant.
Genome position (GRCh38, 1-based): chr2:188,985,733, T>G. VCF-style: chr2-188985733-T-G. GRCh37 (hg19) VCF-style: chr2-189850459-T-G.
Identifiers: ClinVar variation 1332206 (VCV001332206.3), dbSNP rs2153501486, ClinGen allele CA430308804.
Genomic context (GRCh38, chr2:188,985,733, plus strand): 5'-TGGTATTCCTGGGAGAAATGGTGACCCTGGTATTCCAGGACAACCAGGGTCCCCTGGTTC[T>G]CCTGGCCCCCCTGGAATCTGTGAATCATGCCCTACTGGTCCTCAGGTATAACAATTACGG-3'
Protein context (NP_000081.2, residues 124-144): GIPGQPGSPG[Ser134=]PGPPGICESC

ClinVar aggregate classification (germline): Likely benign. Review status: criteria provided, multiple submitters, no conflicts (2 of 4 stars). 2 submissions from 2 submitters: Likely benign (2). Last evaluated 2023-06-08.

Conditions:
Ehlers-Danlos syndrome, type 4 (EDSVASC). Also called: Ehlers-Danlos syndrome vascular type; Ehlers Danlos syndrome, ecchymotic type; Ehlers Danlos syndrome, arterial type; Ehlers Danlos syndrome, Sack-Barabas type; Ehlers-Danlos Syndrome Type IV. Identifiers: Orphanet 286, MedGen C0268338, MONDO:0017314, OMIM 130050.
Familial thoracic aortic aneurysm and aortic dissection (TAAD). Also called: Thoracic aortic aneurysms and dissections. Identifiers: Orphanet 91387, MedGen C4707243, MONDO:0019625.

gnomAD v4.1: 1 of 1,611,960 alleles (0.000062%); highest among the groups gnomAD compares: Non-Finnish European, 0.000085%; no homozygotes.

Submissions (2):

All of Us Research Program, National Institutes of Health
Classification: Likely benign for Ehlers-Danlos syndrome, type 4. Last evaluated: 2023-06-08. Review status: criteria provided, single submitter. Criteria: ACMG Guidelines, 2015. Collection method: clinical testing. Allele origin: germline. Inheritance: Autosomal dominant inheritance. Observed: 1 variant allele, 1 heterozygote.
Comment: This study involves interpretation of variants in research participants for the purpose of population health screening. Participant phenotype was not available at the time of variant classification. Additional details can be found in publication PMID: 35346344, PMCID: PMC8962531

Color Diagnostics, LLC DBA Color Health
Classification: Likely benign for Familial thoracic aortic aneurysm and aortic dissection. Last evaluated: 2021-04-20. Review status: criteria provided, single submitter. Criteria: ACMG Guidelines, 2015. Collection method: clinical testing. Allele origin: germline.